The following is an entry in ClinVar:

ClinVar aggregate classification (germline): Uncertain significance (1 of 4 stars; one submission).

Conditions:
Catecholaminergic polymorphic ventricular tachycardia 1. Also called: VENTRICULAR TACHYCARDIA, CATECHOLAMINERGIC POLYMORPHIC, 1, WITH OR WITHOUT ATRIAL DYSFUNCTION AND/OR DILATED CARDIOMYOPATHY; RYR2-Related Catecholaminergic Polymorphic Ventricular Tachycardia; VENTRICULAR TACHYCARDIA, STRESS-INDUCED POLYMORPHIC 1. Identifiers: Orphanet 3286, MedGen C1631597, MONDO:0011484, OMIM 604772.

Submission:

Labcorp Genetics (formerly Invitae), Labcorp
Classification: Uncertain significance for Catecholaminergic polymorphic ventricular tachycardia 1. Last evaluated: 2017-10-22. Review status: criteria provided, single submitter. Criteria: Invitae Variant Classification Sherloc (09022015). Collection method: clinical testing. Allele origin: germline.
Comment: This variant has not been reported in the literature in individuals with RYR2-related disease. In summary, the available evidence is currently insufficient to determine the role of this variant in disease. Therefore, it has been classified as a Variant of Uncertain Significance. Algorithms developed to predict the effect of missense changes on protein structure and function do not agree on the potential impact of this missense change (SIFT: "Deleterious"; PolyPhen-2: "Benign"; Align-GVGD: "Class C0"). This variant is not present in population databases (ExAC no frequency). This sequence change replaces histidine with glutamine at codon 956 of the RYR2 protein (p.His956Gln). The histidine residue is highly conserved and there is a small physicochemical difference between histidine and glutamine.

NM_001035.3(RYR2):c.2868T>G (p.His956Gln)

Gene: RYR2 (ryanodine receptor 2; plus strand). Cytogenetic location: 1q43.
Variant type: single nucleotide variant.
Coding change: c.2868T>G on transcript NM_001035.3 (MANE Select); coding-DNA position 2868, T replaced by G.
Protein change: p.His956Gln; replaces histidine 956 with glutamine.
Molecular consequence: missense variant.
Genome position (GRCh38, 1-based): chr1:237,530,472, T>G. VCF-style: chr1-237530472-T-G. GRCh37 (hg19) VCF-style: chr1-237693772-T-G.
Other names: c.2868T>G, p.His956Gln (LRG_402t1); short protein forms H956Q.
Identifiers: ClinVar variation 532355 (VCV000532355.10), dbSNP rs1553486453, ClinGen allele CA345388061.